The following is an entry in ClinVar:

ClinVar aggregate classification (germline): Uncertain significance (1 of 4 stars; one submission).

Conditions:
KBG syndrome (KBGS). Also called: ANKRD11-Related KBG Syndrome. Identifiers: Orphanet 2332, MedGen C0220687, MONDO:0007846, OMIM 148050.

Submission:

Labcorp Genetics (formerly Invitae), Labcorp
Classification: Uncertain significance for KBG syndrome. Last evaluated: 2024-02-05. Review status: criteria provided, single submitter. Criteria: Invitae Variant Classification Sherloc (09022015). Collection method: clinical testing. Allele origin: germline.
Comment: This sequence change replaces threonine, which is neutral and polar, with lysine, which is basic and polar, at codon 2320 of the ANKRD11 protein (p.Thr2320Lys). This variant is not present in population databases (gnomAD no frequency). This variant has not been reported in the literature in individuals affected with ANKRD11-related conditions. ClinVar contains an entry for this variant (Variation ID: 947942). Advanced modeling of protein sequence and biophysical properties (such as structural, functional, and spatial information, amino acid conservation, physicochemical variation, residue mobility, and thermodynamic stability) performed at Invitae indicates that this missense variant is not expected to disrupt ANKRD11 protein function with a negative predictive value of 95%. In summary, the available evidence is currently insufficient to determine the role of this variant in disease. Therefore, it has been classified as a Variant of Uncertain Significance.

NM_013275.6(ANKRD11):c.6959C>A (p.Thr2320Lys)

Gene: ANKRD11 (ankyrin repeat domain 11; minus strand). Cytogenetic location: 16q24.3.
Variant type: single nucleotide variant.
Coding change: c.6959C>A on transcript NM_013275.6 (MANE Select); coding-DNA position 6959, C replaced by A.
Protein change: p.Thr2320Lys; replaces threonine 2320 with lysine.
Molecular consequence: missense variant.
Genome position (GRCh38, 1-based): chr16:89,279,583, G>T on the plus strand (C>A on the coding strand, the complement: ANKRD11 is on the minus strand). VCF-style: chr16-89279583-G-T. GRCh37 (hg19) VCF-style: chr16-89345991-G-T.
Other names: c.6959C>A, p.Thr2320Lys (NM_001256182.2, NM_001256183.2); short protein forms T2320K.
Identifiers: ClinVar variation 947942 (VCV000947942.9), dbSNP rs1404340796, ClinGen allele CA397149626.